The following is an entry in ClinVar:

ClinVar aggregate classification (germline): Uncertain significance (1 of 4 stars; one submission).

Conditions:
Arrhythmogenic cardiomyopathy with wooly hair and keratoderma. Also called: Dilated cardiomyopathy with woolly hair and keratoderma; Carvajal syndrome; PALMOPLANTAR KERATODERMA WITH LEFT VENTRICULAR CARDIOMYOPATHY AND WOOLLY HAIR; Arrhythmogenic cardiomyopathy with woolly hair and keratoderma. Identifiers: Orphanet 65282, MedGen C1854063, MONDO:0011581, OMIM 605676.
Arrhythmogenic right ventricular dysplasia 8 (ARVD8). Also called: Arrhythmogenic Right Ventricular Dysplasia/Cardiomyopathy 8; ARRHYTHMOGENIC RIGHT VENTRICULAR DYSPLASIA, FAMILIAL, 8; ARRHYTHMOGENIC RIGHT VENTRICULAR CARDIOMYOPATHY 8. Identifiers: MedGen C1843896, MONDO:0011831, OMIM 607450.

Submission:

Labcorp Genetics (formerly Invitae), Labcorp
Classification: Uncertain significance for Arrhythmogenic cardiomyopathy with wooly hair and keratoderma; Arrhythmogenic right ventricular dysplasia 8. Last evaluated: 2022-05-12. Review status: criteria provided, single submitter. Criteria: Invitae Variant Classification Sherloc (09022015). Collection method: clinical testing. Allele origin: germline.
Comment: This variant is not present in population databases (gnomAD no frequency). This sequence change replaces leucine, which is neutral and non-polar, with valine, which is neutral and non-polar, at codon 1451 of the DSP protein (p.Leu1451Val). This variant has not been reported in the literature in individuals affected with DSP-related conditions. In summary, the available evidence is currently insufficient to determine the role of this variant in disease. Therefore, it has been classified as a Variant of Uncertain Significance. Algorithms developed to predict the effect of missense changes on protein structure and function are either unavailable or do not agree on the potential impact of this missense change (SIFT: "Deleterious"; PolyPhen-2: "Benign"; Align-GVGD: "Class C0").

NM_004415.4(DSP):c.4351C>G (p.Leu1451Val)

Gene: DSP (desmoplakin; plus strand). Cytogenetic location: 6p24.3.
Variant type: single nucleotide variant.
Coding change: c.4351C>G on transcript NM_004415.4 (MANE Select); coding-DNA position 4351, C replaced by G.
Protein change: p.Leu1451Val; replaces leucine 1451 with valine.
Molecular consequence: missense variant. On other transcripts: intron variant (2).
Genome position (GRCh38, 1-based): chr6:7,580,541, C>G. VCF-style: chr6-7580541-C-G. GRCh37 (hg19) VCF-style: chr6-7580774-C-G.
Other names: c.4050+301C>G (NM_001319034.2); c.3582+769C>G (NM_001008844.3); short protein forms L1451V.
Identifiers: ClinVar variation 2171845 (VCV002171845.4), dbSNP rs2533928330, ClinGen allele CA362686118.